The following is an entry in ClinVar:

NM_152327.5(AK7):c.1627G>C (p.Val543Leu)

Gene: AK7 (adenylate kinase 7; plus strand). Cytogenetic location: 14q32.2.
Variant type: single nucleotide variant.
Coding change: c.1627G>C on transcript NM_152327.5 (MANE Select); coding-DNA position 1627, G replaced by C.
Protein change: p.Val543Leu; replaces valine 543 with leucine.
Molecular consequence: missense variant.
Genome position (GRCh38, 1-based): chr14:96,478,536, G>C. VCF-style: chr14-96478536-G-C. GRCh37 (hg19) VCF-style: chr14-96944873-G-C.
Other names: c.1558G>C, p.Val520Leu (NM_001350888.2, NM_001350890.2); c.1549G>C, p.Val517Leu (NM_001350891.2); c.1429G>C, p.Val477Leu (NM_001350892.2); short protein forms V477L, V543L, V520L, V517L.
Identifiers: ClinVar variation 2099611 (VCV002099611.4), dbSNP rs777585613, ClinGen allele CA390922770.

ClinVar aggregate classification (germline): Uncertain significance (1 of 4 stars; one submission).

gnomAD v4.1: 2 of 1,614,062 alleles (0.00012%); highest among the groups gnomAD compares: East Asian, 0.0022%; no homozygotes.

Submission:

Labcorp Genetics (formerly Invitae), Labcorp
Classification: Uncertain significance. Last evaluated: 2024-10-16. Review status: criteria provided, single submitter. Criteria: Invitae Variant Classification Sherloc (09022015). Collection method: clinical testing. Allele origin: germline.
Comment: This sequence change replaces valine, which is neutral and non-polar, with leucine, which is neutral and non-polar, at codon 543 of the AK7 protein (p.Val543Leu). This variant is present in population databases (no rsID available, gnomAD 0.006%). This variant has not been reported in the literature in individuals affected with AK7-related conditions. ClinVar contains an entry for this variant (Variation ID: 2099611). Invitae Evidence Modeling of protein sequence and biophysical properties (such as structural, functional, and spatial information, amino acid conservation, physicochemical variation, residue mobility, and thermodynamic stability) indicates that this missense variant is not expected to disrupt AK7 protein function with a negative predictive value of 80%. In summary, the available evidence is currently insufficient to determine the role of this variant in disease. Therefore, it has been classified as a Variant of Uncertain Significance.